The following is an entry in ClinVar:

ClinVar aggregate classification (germline): Uncertain significance (1 of 4 stars; one submission).

Conditions:
Hereditary cancer-predisposing syndrome. Also called: Tumor predisposition; Hereditary Cancer Syndrome; Neoplastic Syndromes, Hereditary; Hereditary neoplastic syndrome. Identifiers: Orphanet 140162, MedGen C0027672, MeSH D009386, MONDO:0015356.

Submission:

Color Diagnostics, LLC DBA Color Health
Classification: Uncertain significance for Hereditary cancer-predisposing syndrome. Last evaluated: 2025-06-20. Review status: criteria provided, single submitter. Criteria: ACMG Guidelines, 2015. Collection method: clinical testing. Allele origin: germline.
Comment: This missense variant replaces valine with leucine at codon 3 of the STK11 protein. Computational prediction suggests that this variant may not impact protein structure and function. To our knowledge, functional studies have not been reported for this variant. This variant has not been reported in individuals affected with STK11-related disorders in the literature. This variant has not been identified in the general population by the Genome Aggregation Database (gnomAD). The available evidence is insufficient to determine the role of this variant in disease conclusively. Therefore, this variant is classified as a Variant of Uncertain Significance.

NM_000455.5(STK11):c.7G>T (p.Val3Leu)

Gene: STK11 (serine/threonine kinase 11; plus strand). Cytogenetic location: 19p13.3.
Variant type: single nucleotide variant.
Coding change: c.7G>T on transcript NM_000455.5 (MANE Select); coding-DNA position 7, G replaced by T.
Protein change: p.Val3Leu; replaces valine 3 with leucine.
Molecular consequence: missense variant. On other transcripts: non-coding transcript variant (1).
Genome position (GRCh38, 1-based): chr19:1,206,920, G>T. VCF-style: chr19-1206920-G-T. GRCh37 (hg19) VCF-style: chr19-1206919-G-T.
Other names: c.7G>T, p.Val3Leu (NM_001407255.1); short protein forms V3L.
Identifiers: ClinVar variation 4757236 (VCV004757236.1).